The following is an entry in ClinVar:

ClinVar aggregate classification (germline): Pathogenic (1 of 4 stars; one submission).

Submission:

Labcorp Genetics (formerly Invitae), Labcorp
Classification: Pathogenic. Last evaluated: 2025-07-03. Review status: criteria provided, single submitter. Criteria: Invitae Variant Classification Sherloc (09022015). Collection method: clinical testing. Allele origin: germline.
Comment: This sequence change creates a premature translational stop signal (p.Ala373Glufs*29) in the DZIP1L gene. It is expected to result in an absent or disrupted protein product. Loss-of-function variants in DZIP1L are known to be pathogenic (PMID: 28530676). This variant is not present in population databases (gnomAD no frequency). This variant has not been reported in the literature in individuals affected with DZIP1L-related conditions. For these reasons, this variant has been classified as Pathogenic.

Literature cited by the submitters: PubMed 28530676.

NM_173543.3(DZIP1L):c.1118del (p.Ala373fs)

Gene: DZIP1L (DAZ interacting zinc finger protein 1 like; minus strand). Cytogenetic location: 3q22.3.
Variant type: Deletion.
Coding change: c.1118del on transcript NM_173543.3 (MANE Select); coding-DNA position 1118, one base deleted (C; older notation c.1118delC).
Protein change: p.Ala373fs; shifts the reading frame from alanine 373.
Molecular consequence: frameshift variant.
Genome position (GRCh38, 1-based): chr3:138,084,198, G deleted on the plus strand (C on the coding strand, the reverse complement: DZIP1L is on the minus strand). VCF-style (leftmost placement, unchanged base first): chr3-138084197-TG-T. GRCh37 (hg19) VCF-style: chr3-137803039-TG-T.
Other names: c.1118del, p.Ala373fs (NM_001170538.1); short protein forms A373fs.
Identifiers: ClinVar variation 4767442 (VCV004767442.1).